The following is an entry in ClinVar:

ClinVar aggregate classification (germline): Uncertain significance (1 of 4 stars; one submission).

Conditions:
Rafiq syndrome (RAFQS). Identifiers: Orphanet 88616, MedGen C3280127, MONDO:0013624, OMIM 614202.

Allele frequency attached by ClinVar (database versions not stated): TOPMed 0.00001.
gnomAD v4.1: 22 of 1,613,236 alleles (0.0014%); highest among the groups gnomAD compares: Middle Eastern, 0.016%; no homozygotes.

Submission:

Labcorp Genetics (formerly Invitae), Labcorp
Classification: Uncertain significance for Rafiq syndrome. Last evaluated: 2022-04-11. Review status: criteria provided, single submitter. Criteria: Invitae Variant Classification Sherloc (09022015). Collection method: clinical testing. Allele origin: germline.
Comment: This variant is present in population databases (rs768531325, gnomAD 0.007%). This variant has not been reported in the literature in individuals affected with MAN1B1-related conditions. Algorithms developed to predict the effect of missense changes on protein structure and function are either unavailable or do not agree on the potential impact of this missense change (SIFT: "Deleterious"; PolyPhen-2: "Possibly Damaging"; Align-GVGD: "Class C0"). In summary, the available evidence is currently insufficient to determine the role of this variant in disease. Therefore, it has been classified as a Variant of Uncertain Significance. This sequence change replaces arginine, which is basic and polar, with glutamine, which is neutral and polar, at codon 406 of the MAN1B1 protein (p.Arg406Gln).

NM_016219.5(MAN1B1):c.1217G>A (p.Arg406Gln)

Gene: MAN1B1 (mannosidase alpha class 1B member 1; plus strand). Cytogenetic location: 9q34.3.
Variant type: single nucleotide variant.
Coding change: c.1217G>A on transcript NM_016219.5 (MANE Select); coding-DNA position 1217, G replaced by A.
Protein change: p.Arg406Gln; replaces arginine 406 with glutamine.
Molecular consequence: missense variant. On other transcripts: non-coding transcript variant (2).
Genome position (GRCh38, 1-based): chr9:137,101,635, G>A. VCF-style: chr9-137101635-G-A. GRCh37 (hg19) VCF-style: chr9-139996087-G-A.
Other names: c.1109G>A, p.Arg370Gln (NM_007230.1); short protein forms R370Q, R406Q.
Identifiers: ClinVar variation 2189013 (VCV002189013.2), dbSNP rs768531325, ClinGen allele CA5358942.
Genomic context (GRCh38, chr9:137,101,635, plus strand): 5'-CGCCACGGTGGACCTCCGACAGCACTGTGGCCGAGGTGACCAGCATTCAGCTGGAGTTCC[G>A]GGAGCTCTCCCGTCTCACAGGGGATAAGAAGTTTCAGGTAAGGGGGCAGGCTTTCTGGCT-3'
Protein context (NP_057303.2, residues 396-416): AEVTSIQLEF[Arg406Gln]ELSRLTGDKK